The following is an entry in ClinVar:

NM_001164508.2(NEB):c.25150+3G>A

Genes: NEB (nebulin; minus strand), RIF1 (replication timing regulatory factor 1; plus strand). Cytogenetic location: 2q23.3.
Variant type: single nucleotide variant.
Coding change: c.25150+3G>A on transcript NM_001164508.2 (MANE Select); 3 bases into the intron after coding-DNA position 25150, G replaced by A.
Molecular consequence: intron variant.
Genome position (GRCh38, 1-based): chr2:151,491,680, C>T on the plus strand (G>A on the coding strand, the complement: NEB is on the minus strand). VCF-style: chr2-151491680-C-T. GRCh37 (hg19) VCF-style: chr2-152348194-C-T.
Other names: c.19582+3G>A (NM_004543.5); c.25150+3G>A (NM_001164507.2); c.25255+3G>A (NM_001271208.2).
Identifiers: ClinVar variation 861923 (VCV000861923.10), dbSNP rs556224656, ClinGen allele CA1905806.

ClinVar aggregate classification (germline): Uncertain significance. Review status: criteria provided, multiple submitters, no conflicts (2 of 4 stars). 4 submissions from 4 submitters: Uncertain significance (3). 1 of the submissions does not count toward it. Last evaluated 2025-11-10.

Conditions:
Nemaline myopathy 2 (NEM2). Also called: Nemaline myopathy 2, autosomal recessive. Identifiers: MedGen C1850569, MONDO:0009725, OMIM 256030.

Allele frequency attached by ClinVar (database versions not stated): gnomAD exomes 0.00011 and 0.00003; ExAC 0.00019; 1000 Genomes Project 0.00020; 1000 Genomes Project 30x 0.00031; gnomAD 0.00001 and 0.00002; TOPMed 0.00001.
gnomAD v4.1: 56 of 1,580,258 alleles (0.0035%); highest among the groups gnomAD compares: South Asian, 0.056%; no homozygotes.

Submissions (4):

Women's Health and Genetics/Laboratory Corporation of America, LabCorp
Classification: Uncertain significance. Last evaluated: 2025-11-10. Review status: criteria provided, single submitter. Criteria: LabCorp Variant Classification Summary - May 2015. Collection method: clinical testing. Allele origin: germline.
Comment: Variant summary: NEB c.25255+3G>A alters a conserved nucleotide located close to a canonical splice site and therefore could affect mRNA splicing, leading to a significantly altered protein sequence. Consensus agreement among computation tools predict no significant impact on normal splicing. However, these predictions have yet to be confirmed by functional studies. The variant allele was found at a frequency of 0.00011 in 207066 control chromosomes (gnomAD). This frequency is not significantly higher than estimated for disease-causing variants in NEB, allowing no conclusion about variant significance. c.25255+3G>A has been observed in one individual affected with suspected sarcoglycanopathy (Bardhan_2022). The report does not provide unequivocal conclusions about association of the variant with Nemaline Myopathy 2. To our knowledge, no experimental evidence demonstrating an impact on protein function has been reported. The following publication have been ascertained in the context of this evaluation (PMID: 35416532). ClinVar contains an entry for this variant (Variation ID: 861923). Based on the evidence outlined above, the variant was classified as uncertain significance.

Labcorp Genetics (formerly Invitae), Labcorp
Classification: Uncertain significance for Nemaline myopathy 2. Last evaluated: 2022-10-05. Review status: criteria provided, single submitter. Criteria: Invitae Variant Classification Sherloc (09022015). Collection method: clinical testing. Allele origin: germline.
Comment: This sequence change falls in intron 180 of the NEB gene. It does not directly change the encoded amino acid sequence of the NEB protein. It affects a nucleotide within the consensus splice site. This variant is present in population databases (rs556224656, gnomAD 0.09%). This variant has not been reported in the literature in individuals affected with NEB-related conditions. ClinVar contains an entry for this variant (Variation ID: 861923). Variants that disrupt the consensus splice site are a relatively common cause of aberrant splicing (PMID: 17576681, 9536098). Algorithms developed to predict the effect of sequence changes on RNA splicing suggest that this variant may create or strengthen a splice site. In summary, the available evidence is currently insufficient to determine the role of this variant in disease. Therefore, it has been classified as a Variant of Uncertain Significance.

Revvity Omics, Revvity
Classification: Uncertain significance. Last evaluated: 2021-04-10. Review status: criteria provided, single submitter. Criteria: ACMG Guidelines, 2015. Collection method: clinical testing. Allele origin: germline.

Natera, Inc.
Classification: Uncertain significance for Nemaline myopathy type 2. Last evaluated: 2020-02-21. Review status: no assertion criteria provided. Collection method: clinical testing. Allele origin: germline. Not counted in ClinVar's aggregate classification.

Literature cited by the submitters: PubMed 35416532 (cited by Women's Health and Genetics/Laboratory Corporation of America, LabCorp); PubMed 17576681 (cited by Labcorp Genetics (formerly Invitae), Labcorp); PubMed 9536098 (cited by Labcorp Genetics (formerly Invitae), Labcorp).